The following is an entry in ClinVar:

NM_016222.4(DDX41):c.644+4A>T

Gene: DDX41 (DEAD-box helicase 41; minus strand). Cytogenetic location: 5q35.3.
Variant type: single nucleotide variant.
Coding change: c.644+4A>T on transcript NM_016222.4 (MANE Select); 4 bases into the intron after coding-DNA position 644, A replaced by T.
Molecular consequence: intron variant.
Genome position (GRCh38, 1-based): chr5:177,515,182, T>A on the plus strand (A>T on the coding strand, the complement: DDX41 is on the minus strand). VCF-style: chr5-177515182-T-A. GRCh37 (hg19) VCF-style: chr5-176942183-T-A.
Other names: c.266+4A>T (NM_001321830.2, NM_001321732.2).
Identifiers: ClinVar variation 4725528 (VCV004725528.1).

ClinVar aggregate classification (germline): Uncertain significance (1 of 4 stars; one submission).

Submission:

Labcorp Genetics (formerly Invitae), Labcorp
Classification: Uncertain significance. Last evaluated: 2025-08-16. Review status: criteria provided, single submitter. Criteria: Invitae Variant Classification Sherloc (09022015). Collection method: clinical testing. Allele origin: germline.
Comment: This sequence change falls in intron 7 of the DDX41 gene. It does not directly change the encoded amino acid sequence of the DDX41 protein. It affects a nucleotide within the consensus splice site. This variant is not present in population databases (gnomAD no frequency). This variant has not been reported in the literature in individuals affected with DDX41-related conditions. Variants that disrupt the consensus splice site are a relatively common cause of aberrant splicing (PMID: 17576681, 9536098). Algorithms developed to predict the effect of sequence changes on RNA splicing suggest that this variant may disrupt the consensus splice site. In summary, the available evidence is currently insufficient to determine the role of this variant in disease. Therefore, it has been classified as a Variant of Uncertain Significance.

Literature cited by the submitters: PubMed 17576681; PubMed 9536098.